The following is an entry in ClinVar:

NM_017763.6(RNF43):c.1927C>G (p.Gln643Glu)

Gene: RNF43 (ring finger protein 43; minus strand). Cytogenetic location: 17q22.
Variant type: single nucleotide variant.
Coding change: c.1927C>G on transcript NM_017763.6 (MANE Select); coding-DNA position 1927, C replaced by G.
Protein change: p.Gln643Glu; replaces glutamine 643 with glutamic acid.
Molecular consequence: missense variant.
Genome position (GRCh38, 1-based): chr17:58,357,849, G>C on the plus strand (C>G on the coding strand, the complement: RNF43 is on the minus strand). VCF-style: chr17-58357849-G-C. GRCh37 (hg19) VCF-style: chr17-56435210-G-C.
Other names: c.1927C>G, p.Gln643Glu (NM_001305544.3); c.1546C>G, p.Gln516Glu (NM_001305545.2); short protein forms Q516E, Q643E.
Identifiers: ClinVar variation 3789969 (VCV003789969.1).

ClinVar aggregate classification (germline): Uncertain significance (1 of 4 stars; one submission).

Submission:

Ambry Genetics
Classification: Uncertain significance. Last evaluated: 2025-03-07. Review status: criteria provided, single submitter. Criteria: Ambry Variant Classification Scheme 2023. Collection method: clinical testing. Allele origin: germline.
Comment: The p.Q643E variant (also known as c.1927C>G), located in coding exon 8 of the RNF43 gene, results from a C to G substitution at nucleotide position 1927. The glutamine at codon 643 is replaced by glutamic acid, an amino acid with highly similar properties. This amino acid position is conserved. In addition, this alteration is predicted to be tolerated by in silico analysis. Based on the available evidence, the clinical significance of this variant remains unclear.